The following is an entry in ClinVar:

NM_001943.5(DSG2):c.3337G>C (p.Val1113Leu)

Genes: DSG2 (desmoglein 2; plus strand), DSG2-AS1 (DSG2 antisense RNA 1; minus strand). Cytogenetic location: 18q12.1.
Variant type: single nucleotide variant.
Coding change: c.3337G>C on transcript NM_001943.5 (MANE Select); coding-DNA position 3337, G replaced by C.
Protein change: p.Val1113Leu; replaces valine 1113 with leucine.
Molecular consequence: missense variant.
Genome position (GRCh38, 1-based): chr18:31,546,723, G>C. VCF-style: chr18-31546723-G-C. GRCh37 (hg19) VCF-style: chr18-29126686-G-C.
Other names: short protein forms V1113L.
Identifiers: ClinVar variation 1483138 (VCV001483138.6), dbSNP rs924943447, ClinGen allele CA297702790.

ClinVar aggregate classification (germline): Uncertain significance (1 of 4 stars; one submission).

Conditions:
Arrhythmogenic right ventricular dysplasia 10. Also called: Arrhythmogenic right ventricular dysplasia/cardiomyopathy, type 10; ARRHYTHMOGENIC RIGHT VENTRICULAR DYSPLASIA, FAMILIAL, 10; Arrhythmogenic Right Ventricular Dysplasia/Cardiomyopathy10. Identifiers: MedGen C1857777, MONDO:0012434, OMIM 610193.

Allele frequency attached by ClinVar (database versions not stated): gnomAD 0.00001; TOPMed 0.00001.
gnomAD v4.1: 1 of 1,614,040 alleles (0.000062%); highest among the groups gnomAD compares: Non-Finnish European, 0.000085%; no homozygotes.

Submission:

Labcorp Genetics (formerly Invitae), Labcorp
Classification: Uncertain significance for Arrhythmogenic right ventricular dysplasia 10. Last evaluated: 2023-06-14. Review status: criteria provided, single submitter. Criteria: Invitae Variant Classification Sherloc (09022015). Collection method: clinical testing. Allele origin: germline.
Comment: This sequence change replaces valine, which is neutral and non-polar, with leucine, which is neutral and non-polar, at codon 1113 of the DSG2 protein (p.Val1113Leu). This variant is not present in population databases (gnomAD no frequency). This variant has not been reported in the literature in individuals affected with DSG2-related conditions. ClinVar contains an entry for this variant (Variation ID: 1483138). Advanced modeling of protein sequence and biophysical properties (such as structural, functional, and spatial information, amino acid conservation, physicochemical variation, residue mobility, and thermodynamic stability) performed at Invitae indicates that this missense variant is not expected to disrupt DSG2 protein function. In summary, the available evidence is currently insufficient to determine the role of this variant in disease. Therefore, it has been classified as a Variant of Uncertain Significance.